The following is an entry in ClinVar:

ClinVar aggregate classification (germline): Uncertain significance (1 of 4 stars; one submission).

Allele frequency attached by ClinVar (database versions not stated): TOPMed below 0.00001; gnomAD exomes 0.00001 and 0.00003; ExAC 0.00003.
gnomAD v4.1: 6 of 1,613,590 alleles (0.00037%); highest among the groups gnomAD compares: Admixed American, 0.01%; no homozygotes.

Submission:

Labcorp Genetics (formerly Invitae), Labcorp
Classification: Uncertain significance. Last evaluated: 2022-08-07. Review status: criteria provided, single submitter. Criteria: Invitae Variant Classification Sherloc (09022015). Collection method: clinical testing. Allele origin: germline.
Comment: This sequence change replaces glycine, which is neutral and non-polar, with aspartic acid, which is acidic and polar, at codon 186 of the RUSC2 protein (p.Gly186Asp). This variant is present in population databases (rs771116366, gnomAD 0.02%). This variant has not been reported in the literature in individuals affected with RUSC2-related conditions. ClinVar contains an entry for this variant (Variation ID: 1346844). Algorithms developed to predict the effect of missense changes on protein structure and function (SIFT, PolyPhen-2, Align-GVGD) all suggest that this variant is likely to be tolerated. In summary, the available evidence is currently insufficient to determine the role of this variant in disease. Therefore, it has been classified as a Variant of Uncertain Significance.

NM_014806.5(RUSC2):c.557G>A (p.Gly186Asp)

Gene: RUSC2 (RUN and SH3 domain containing 2; plus strand). Cytogenetic location: 9p13.3.
Variant type: single nucleotide variant.
Coding change: c.557G>A on transcript NM_014806.5 (MANE Select); coding-DNA position 557, G replaced by A.
Protein change: p.Gly186Asp; replaces glycine 186 with aspartic acid.
Molecular consequence: missense variant. On other transcripts: non-coding transcript variant (1), intron variant (1).
Genome position (GRCh38, 1-based): chr9:35,547,078, G>A. VCF-style: chr9-35547078-G-A. GRCh37 (hg19) VCF-style: chr9-35547075-G-A.
Other names: c.557G>A, p.Gly186Asp (NM_001135999.2); c.-620-7982G>A (NM_001330740.2); short protein forms G186D.
Identifiers: ClinVar variation 1346844 (VCV001346844.3), dbSNP rs771116366, ClinGen allele CA5043494.